The following is an entry in ClinVar:

NM_004046.6(ATP5F1A):c.1657G>A (p.Ala553Thr)

Gene: ATP5F1A (ATP synthase F1 subunit alpha; minus strand). Cytogenetic location: 18q21.1.
Variant type: single nucleotide variant.
Coding change: c.1657G>A on transcript NM_004046.6 (MANE Select); coding-DNA position 1657, G replaced by A.
Protein change: p.Ala553Thr; replaces alanine 553 with threonine.
Molecular consequence: missense variant.
Genome position (GRCh38, 1-based): chr18:46,084,287, C>T on the plus strand (G>A on the coding strand, the complement: ATP5F1A is on the minus strand). VCF-style: chr18-46084287-C-T. GRCh37 (hg19) VCF-style: chr18-43664253-C-T.
Other names: c.1507G>A, p.Ala503Thr (NM_001001935.3, NM_001257335.2); c.1657G>A, p.Ala553Thr (NM_001001937.2); c.1591G>A, p.Ala531Thr (NM_001257334.2); short protein forms A503T, A531T, A553T.
Identifiers: ClinVar variation 2662900 (VCV002662900.1), dbSNP rs2512297330, ClinGen allele CA402363171.
Genomic context (GRCh38, chr18:46,084,287, plus strand): 5'-ATTTACTAGAACAATGACAAAACTGAACTGGTATTTGATGTGAATCCACAGGAGTTTAAG[C>T]TTCAAATCCAGCCAAGAAATTTGTTACAATCTCTTTCAGCTTTGCATCTGATTGTTCTGA-3'
Protein context (NP_004037.1, residues 543-553): IVTNFLAGFE[Ala553Thr]

ClinVar aggregate classification (germline): Uncertain significance (1 of 4 stars; one submission).

Submission:

GeneDx
Classification: Uncertain significance. Last evaluated: 2023-05-01. Review status: criteria provided, single submitter. Criteria: GeneDx Variant Classification Process June 2021. Collection method: clinical testing. Allele origin: germline. Affected: yes.
Comment: Not observed at significant frequency in large population cohorts (gnomAD); In silico analysis supports that this missense variant does not alter protein structure/function; Has not been previously published as pathogenic or benign to our knowledge